The following is an entry in ClinVar:

NM_001257096.2(PAX1):c.1293G>A (p.Arg431=)

Gene: PAX1 (paired box 1; plus strand). Cytogenetic location: 20p11.22.
Variant type: single nucleotide variant.
Coding change: c.1293G>A on transcript NM_001257096.2 (MANE Select); coding-DNA position 1293, G replaced by A.
Protein change: p.Arg431=; no amino-acid change (arginine 431 retained).
Molecular consequence: synonymous variant. On other transcripts: missense variant (1).
Genome position (GRCh38, 1-based): chr20:21,714,481, G>A. VCF-style: chr20-21714481-G-A. GRCh37 (hg19) VCF-style: chr20-21695119-G-A.
Other names: c.1283G>A, p.Gly428Glu (NM_006192.5); short protein forms G428E.
Identifiers: ClinVar variation 1470534 (VCV001470534.8), dbSNP rs757697560, ClinGen allele CA9786756.

ClinVar aggregate classification (germline): Uncertain significance (1 of 4 stars; one submission).

Allele frequency attached by ClinVar (database versions not stated): gnomAD 0.00001; gnomAD exomes 0.00001; ExAC 0.00005.
gnomAD v4.1: 21 of 1,580,990 alleles (0.0013%); highest among the groups gnomAD compares: South Asian, 0.02%; no homozygotes.

Submission:

Labcorp Genetics (formerly Invitae), Labcorp
Classification: Uncertain significance. Last evaluated: 2021-01-04. Review status: criteria provided, single submitter. Criteria: Invitae Variant Classification Sherloc (09022015). Collection method: clinical testing. Allele origin: germline.
Comment: In summary, the available evidence is currently insufficient to determine the role of this variant in disease. Therefore, it has been classified as a Variant of Uncertain Significance. Algorithms developed to predict the effect of sequence changes on RNA splicing suggest that this variant may disrupt the consensus splice site, but this prediction has not been confirmed by published transcriptional studies. Algorithms developed to predict the effect of missense changes on protein structure and function output the following: SIFT: "Tolerated"; PolyPhen-2: "Benign"; Align-GVGD: "Class C0". The glutamic acid amino acid residue is found in multiple mammalian species, suggesting that this missense change does not adversely affect protein function. These predictions have not been confirmed by published functional studies and their clinical significance is uncertain. This variant has not been reported in the literature in individuals with PAX1-related conditions. This variant is present in population databases (rs757697560, ExAC 0.01%). This sequence change replaces glycine with glutamic acid at codon 428 of the PAX1 protein (p.Gly428Glu). The glycine residue is weakly conserved and there is a moderate physicochemical difference between glycine and glutamic acid.